The following is an entry in ClinVar:

NM_182961.4(SYNE1):c.12007A>G (p.Lys4003Glu)

Gene: SYNE1 (spectrin repeat containing nuclear envelope protein 1; minus strand). Cytogenetic location: 6q25.2.
Variant type: single nucleotide variant.
Coding change: c.12007A>G on transcript NM_182961.4 (MANE Select); coding-DNA position 12007, A replaced by G.
Protein change: p.Lys4003Glu; replaces lysine 4003 with glutamic acid.
Molecular consequence: missense variant.
Genome position (GRCh38, 1-based): chr6:152,347,130, T>C on the plus strand (A>G on the coding strand, the complement: SYNE1 is on the minus strand). VCF-style: chr6-152347130-T-C. GRCh37 (hg19) VCF-style: chr6-152668265-T-C.
Other names: c.11794A>G, p.Lys3932Glu (NM_033071.5); short protein forms K3932E, K4003E.
Identifiers: ClinVar variation 500405 (VCV000500405.12), dbSNP rs772000149, ClinGen allele CA4056532.

ClinVar aggregate classification (germline): Uncertain significance. Review status: criteria provided, multiple submitters, no conflicts (2 of 4 stars). 3 submissions from 3 submitters: Uncertain significance (3). Last evaluated 2025-01-30.

Conditions:
Emery-Dreifuss muscular dystrophy 4, autosomal dominant (EDMD4). Also called: EMERY-DREIFUSS MUSCULAR DYSTROPHY 4 WITH VARIABLE FEATURES. Identifiers: Orphanet 261, MedGen C2751807, MONDO:0013071, OMIM 612998.
Autosomal recessive ataxia, Beauce type. Also called: SYNE1 Deficiency; Spinocerebellar ataxia, autosomal recessive 8; ATAXIA, RECESSIVE, OF BEAUCE; SYNE1-Related Autosomal Recessive Cerebellar Ataxia. Identifiers: Orphanet 88644, MedGen C1853116, MONDO:0012549, OMIM 610743.

Allele frequency attached by ClinVar (database versions not stated): ExAC 0.00001; gnomAD exomes 0.00001; gnomAD 0.00004; TOPMed 0.00004.
gnomAD v4.1: 14 of 1,614,090 alleles (0.00087%); highest among the groups gnomAD compares: African/African-American, 0.012%; no homozygotes.

Submissions (3):

Athena Diagnostics
Classification: Uncertain significance. Last evaluated: 2025-01-30. Review status: criteria provided, single submitter. Criteria: Athena Diagnostics Criteria. Collection method: clinical testing. Allele origin: unknown.
Comment: Available data are insufficient to determine the clinical significance of the variant at this time. The frequency of this variant in the general population is uninformative in assessment of its pathogenicity. Polyphen and MutationTaster predict this amino acid change may be benign.

Labcorp Genetics (formerly Invitae), Labcorp
Classification: Uncertain significance for Emery-Dreifuss muscular dystrophy 4, autosomal dominant; Autosomal recessive ataxia, Beauce type. Last evaluated: 2022-08-23. Review status: criteria provided, single submitter. Criteria: Invitae Variant Classification Sherloc (09022015). Collection method: clinical testing. Allele origin: germline.
Comment: This sequence change replaces lysine, which is basic and polar, with glutamic acid, which is acidic and polar, at codon 3932 of the SYNE1 protein (p.Lys3932Glu). This variant is present in population databases (rs772000149, gnomAD 0.007%). This variant has not been reported in the literature in individuals affected with SYNE1-related conditions. ClinVar contains an entry for this variant (Variation ID: 500405). Algorithms developed to predict the effect of missense changes on protein structure and function are either unavailable or do not agree on the potential impact of this missense change (SIFT: "Deleterious"; PolyPhen-2: "Benign"; Align-GVGD: "Class C55"). In summary, the available evidence is currently insufficient to determine the role of this variant in disease. Therefore, it has been classified as a Variant of Uncertain Significance.

Eurofins Ntd Llc (ga)
Classification: Uncertain significance. Last evaluated: 2017-02-15. Review status: criteria provided, single submitter. Criteria: EGL Classification Definitions 2015. Collection method: clinical testing. Allele origin: germline. Observed: 1 variant allele, 1 heterozygote.